The following is an entry in ClinVar:

ClinVar aggregate classification (germline): Uncertain significance. Review status: criteria provided, multiple submitters, no conflicts (2 of 4 stars). 8 submissions from 4 submitters: Uncertain significance (8). Last evaluated 2026-06-22.

Conditions:
Myopathy, myofibrillar, 9, with early respiratory failure (MFM9). Also called: Hereditary myopathy with early respiratory failure; EDSTROM MYOPATHY; MYOPATHY, PROXIMAL, WITH EARLY RESPIRATORY MUSCLE INVOLVEMENT; Myopathy, distal, with early respiratory failure, autosomal dominant. Identifiers: Orphanet 178464, Orphanet 34521, MedGen C1863599, MONDO:0011362, OMIM 603689.
Autosomal recessive limb-girdle muscular dystrophy type 2J (LGMDR10). Also called: Limb-girdle muscular dystrophy, type 2J; MUSCULAR DYSTROPHY, LIMB-GIRDLE, AUTOSOMAL RECESSIVE 10. Identifiers: Orphanet 140922, MedGen C1837342, MONDO:0012127, OMIM 608807.
Tibial muscular dystrophy (TMD). Also called: Udd Distal Myopathy – Tibial Muscular Dystrophy; UDD MYOPATHY; Tibial muscular dystrophy, tardive. Identifiers: Orphanet 609, MedGen C1838244, MONDO:0010870, OMIM 600334.
Dilated cardiomyopathy 1G (CMD1G). Identifiers: Orphanet 154, MedGen C1858763, MONDO:0011400, OMIM 604145.
TTN-related disorder. Also called: TTN-related condition; TTN-related disease; TTN-related disorders.
Early-onset myopathy with fatal cardiomyopathy (CMYO5). Also called: Salih Myopathy; CONGENITAL MYOPATHY 5 WITH CARDIOMYOPATHY. Identifiers: Orphanet 289377, MedGen C2673677, MONDO:0012714, OMIM 611705. Disease mechanism: loss of function.

Allele frequency attached by ClinVar (database versions not stated): gnomAD 0.00001; ExAC 0.00002; gnomAD exomes 0.00002; TOPMed 0.00005.
gnomAD v4.1: 33 of 1,613,526 alleles (0.002%); highest among the groups gnomAD compares: East Asian, 0.0045%; no homozygotes.

Submissions (8):

PreventionGenetics, part of Exact Sciences
Classification: Uncertain significance for TTN-related condition. Last evaluated: 2026-06-22. Review status: criteria provided, single submitter. Criteria: ACMG Guidelines, 2015. Collection method: clinical testing. Allele origin: germline.
Comment: The TTN c.82021C>T variant is predicted to result in the amino acid substitution p.Arg27341Trp. This variant has been reported in an individual with dilated cardiomyopathy (Table S7, Mazzarotto et al. 2020. PubMed ID: 31983221). This variant is reported in 0.0041% of alleles in individuals of African descent in gnomAD. At this time, the clinical significance of this variant is uncertain due to the absence of conclusive functional and genetic evidence.

GeneDx
Classification: Uncertain significance. Last evaluated: 2023-09-29. Review status: criteria provided, single submitter. Criteria: GeneDx Variant Classification Process June 2021. Collection method: clinical testing. Allele origin: germline. Affected: yes.
Comment: Missense variant in a gene in which most reported pathogenic variants are truncating/loss of function; Has not been previously published as pathogenic or benign to our knowledge; Not observed at significant frequency in large population cohorts (gnomAD)

Illumina Laboratory Services, Illumina
Classification: Uncertain significance for Autosomal recessive limb-girdle muscular dystrophy type 2J. Last evaluated: 2018-01-13. Review status: criteria provided, single submitter. Criteria: ICSL Variant Classification Criteria 13 December 2019. Collection method: clinical testing. Allele origin: germline.

Illumina Laboratory Services, Illumina
Classification: Uncertain significance for Early-onset myopathy with fatal cardiomyopathy. Last evaluated: 2018-01-13. Review status: criteria provided, single submitter. Criteria: ICSL Variant Classification Criteria 13 December 2019. Collection method: clinical testing. Allele origin: germline.

Illumina Laboratory Services, Illumina
Classification: Uncertain significance for Tibial muscular dystrophy. Last evaluated: 2018-01-13. Review status: criteria provided, single submitter. Criteria: ICSL Variant Classification Criteria 13 December 2019. Collection method: clinical testing. Allele origin: germline.

Illumina Laboratory Services, Illumina
Classification: Uncertain significance for Dilated cardiomyopathy 1G. Last evaluated: 2018-01-13. Review status: criteria provided, single submitter. Criteria: ICSL Variant Classification Criteria 13 December 2019. Collection method: clinical testing. Allele origin: germline.

Illumina Laboratory Services, Illumina
Classification: Uncertain significance for Myopathy, myofibrillar, 9, with early respiratory failure. Last evaluated: 2018-01-13. Review status: criteria provided, single submitter. Criteria: ICSL Variant Classification Criteria 13 December 2019. Collection method: clinical testing. Allele origin: germline.

Laboratory for Molecular Medicine, Mass General Brigham Personalized Medicine
Classification: Uncertain significance. Last evaluated: 2016-04-14. Review status: criteria provided, single submitter. Criteria: LMM Criteria. Collection method: clinical testing. Allele origin: germline. Observed: 1 variant allele.
Comment: The p.Arg24773Trp variant in TTN has not been previously reported in individuals with cardiomyopathy, but has been identified in 1/11570 Latino chromosomes and 1/66716 European chromosomes by the Exome Aggregation Consortium (ExAC; dbSNP rs746488250). Computational prediction tools and c onservation analysis do not provide strong support for or against an impact to t he protein. In summary, the clinical significance of the p.Arg24773Trp variant i s uncertain.

NM_001267550.2(TTN):c.82021C>T (p.Arg27341Trp)

Genes: TTN-AS1 (TTN antisense RNA 1; plus strand), TTN (titin; minus strand). Cytogenetic location: 2q31.2.
Variant type: single nucleotide variant.
Coding change: c.82021C>T on transcript NM_001267550.2 (MANE Select); coding-DNA position 82021, C replaced by T.
Protein change: p.Arg27341Trp; replaces arginine 27341 with tryptophan.
Molecular consequence: missense variant.
Genome position (GRCh38, 1-based): chr2:178,564,111, G>A on the plus strand (C>T on the coding strand, the complement: TTN is on the minus strand). VCF-style: chr2-178564111-G-A. GRCh37 (hg19) VCF-style: chr2-179428838-G-A.
Other names: c.74317C>T, p.Arg24773Trp (NM_133378.4); c.77098C>T, p.Arg25700Trp (NM_001256850.1); c.54826C>T, p.Arg18276Trp (NM_003319.4); c.55201C>T, p.Arg18401Trp (NM_133432.3); c.55402C>T, p.Arg18468Trp (NM_133437.4); c.82021C>T (NM_001267550.1); short protein forms R24773W, R27341W, R18468W, R25700W, R18401W, R18276W.
Identifiers: ClinVar variation 504933 (VCV000504933.13), dbSNP rs746488250, ClinGen allele CA1989126.